The following is an entry in ClinVar:

ClinVar aggregate classification (germline): Uncertain significance (1 of 4 stars; one submission).

Submission:

Ambry Genetics
Classification: Uncertain significance. Last evaluated: 2022-01-18. Review status: criteria provided, single submitter. Criteria: Ambry Variant Classification Scheme 2023. Collection method: clinical testing. Allele origin: germline.
Comment: The p.A268D variant (also known as c.803C>A), located in coding exon 5 of the IDH1 gene, results from a C to A substitution at nucleotide position 803. The alanine at codon 268 is replaced by aspartic acid, an amino acid with dissimilar properties. This amino acid position is conserved. In addition, this alteration is predicted to be deleterious by in silico analysis. Since supporting evidence is limited at this time, the clinical significance of this alteration remains unclear.

NM_005896.4(IDH1):c.803C>A (p.Ala268Asp)

Gene: IDH1 (isocitrate dehydrogenase (NADP(+)) 1; minus strand). Cytogenetic location: 2q34.
Variant type: single nucleotide variant.
Coding change: c.803C>A on transcript NM_005896.4 (MANE Select); coding-DNA position 803, C replaced by A.
Protein change: p.Ala268Asp; replaces alanine 268 with aspartic acid.
Molecular consequence: missense variant.
Genome position (GRCh38, 1-based): chr2:208,242,041, G>T on the plus strand (C>A on the coding strand, the complement: IDH1 is on the minus strand). VCF-style: chr2-208242041-G-T. GRCh37 (hg19) VCF-style: chr2-209106765-G-T.
Other names: c.803C>A, p.Ala268Asp (NM_001282386.1, NM_001282387.1); short protein forms A268D.
Identifiers: ClinVar variation 1761759 (VCV001761759.2), dbSNP rs2469019443, ClinGen allele CA350096262.
Genomic context (GRCh38, chr2:208,242,041, plus strand): 5'-TCCACCTCTGTACCTTGGGCCACAGAGTCCGACTGCACGTCACCATCATAGTTTTTACAG[G>T]CCCAGATGAAGCCTCCCTCTGATTTCATAGCTTGGGCCACCATGTCGTCGATGAGCCTAT-3'
Protein context (NP_005887.2, residues 258-278): AMKSEGGFIW[Ala268Asp]CKNYDGDVQS